The following is an entry in ClinVar:

NM_032188.3(KAT8):c.94G>A (p.Glu32Lys)

Gene: KAT8 (lysine acetyltransferase 8; plus strand). Cytogenetic location: 16p11.2.
Variant type: single nucleotide variant.
Coding change: c.94G>A on transcript NM_032188.3 (MANE Select); coding-DNA position 94, G replaced by A.
Protein change: p.Glu32Lys; replaces glutamic acid 32 with lysine.
Molecular consequence: missense variant.
Genome position (GRCh38, 1-based): chr16:31,117,775, G>A. VCF-style: chr16-31117775-G-A. GRCh37 (hg19) VCF-style: chr16-31129096-G-A.
Other names: c.94G>A, p.Glu32Lys (NM_182958.4); short protein forms E32K.
Identifiers: ClinVar variation 4071868 (VCV004071868.1).

ClinVar aggregate classification (germline): Uncertain significance (1 of 4 stars; one submission).

Submission:

GeneDx
Classification: Uncertain significance. Last evaluated: 2025-01-24. Review status: criteria provided, single submitter. Criteria: GeneDx Variant Classification Process June 2021. Collection method: clinical testing. Allele origin: germline. Affected: yes.
Comment: Not observed at significant frequency in large population cohorts (gnomAD); In silico analysis indicates that this missense variant does not alter protein structure/function; Has not been previously published as pathogenic or benign to our knowledge